The following is an entry in ClinVar:

ClinVar aggregate classification (germline): Conflicting classifications of pathogenicity. Review status: criteria provided, conflicting classifications (1 of 4 stars). 8 submissions from 8 submitters: Uncertain significance (6); Likely benign (2). Last evaluated 2026-01-14.

Conditions:
Wilson disease (WND). Also called: Wilson's disease. Identifiers: Orphanet 905, MedGen C0019202, MONDO:0010200, OMIM 277900. Disease mechanism: loss of function.

Allele frequency attached by ClinVar (database versions not stated): gnomAD 0.00006; TOPMed 0.00017.
gnomAD v4.1: 105 of 1,614,118 alleles (0.0065%); highest among the groups gnomAD compares: Admixed American, 0.16%; no homozygotes.

Submissions (8):

Labcorp Genetics (formerly Invitae), Labcorp
Classification: Likely benign for Wilson disease. Last evaluated: 2026-01-14. Review status: criteria provided, single submitter. Criteria: Invitae Variant Classification Sherloc (09022015). Collection method: clinical testing. Allele origin: germline.

GeneDx
Classification: Uncertain significance. Last evaluated: 2025-12-03. Review status: criteria provided, single submitter. Criteria: GeneDx Variant Classification Process June 2021. Collection method: clinical testing. Allele origin: germline. Affected: yes.
Comment: Reported with a second ATP7B variant, phase unknown, in a child with liver failure (PMID: 39933775); In silico analysis supports that this missense variant has a deleterious effect on protein structure/function; This variant is associated with the following publications: (PMID: 39933775)

Color Diagnostics, LLC DBA Color Health
Classification: Uncertain significance for Wilson disease. Last evaluated: 2025-06-05. Review status: criteria provided, single submitter. Criteria: ACMG Guidelines, 2015. Collection method: clinical testing. Allele origin: germline.
Comment: This missense variant replaces aspartic acid with asparagine at codon 118 of the ATP7B protein. Computational prediction tool is inconclusive regarding the impact of this variant on protein structure and function. To our knowledge, functional studies have not been reported for this variant. This variant has not been reported in individuals affected with ATP7B-related disorders in the literature. This variant has been identified in 79/280864 chromosomes in the general population by the Genome Aggregation Database (gnomAD). The available evidence is insufficient to determine the role of this variant in disease conclusively. Therefore, this variant is classified as a Variant of Uncertain Significance.

Mayo Clinic Laboratories, Mayo Clinic
Classification: Uncertain significance. Last evaluated: 2024-12-09. Review status: criteria provided, single submitter. Criteria: ACMG Guidelines, 2015. Collection method: clinical testing. Allele origin: germline. Observed: 3 variant alleles.

Women's Health and Genetics/Laboratory Corporation of America, LabCorp
Classification: Uncertain significance. Last evaluated: 2024-10-16. Review status: criteria provided, single submitter. Criteria: LabCorp Variant Classification Summary - May 2015. Collection method: clinical testing. Allele origin: germline.
Comment: Variant summary: ATP7B c.352G>A (p.Asp118Asn) results in a conservative amino acid change located in the first heavy metal-associated (HMA1) repeat domain (IPR006121) of the encoded protein sequence. Three of five in-silico tools predict a damaging effect of the variant on protein function. The variant allele was found at a frequency of 0.00031 in 249456 control chromosomes, predominantly at a frequency of 0.0022 within the Latino subpopulation in the gnomAD database. This frequency is somewhat lower than the estimated maximum expected for a pathogenic variant in ATP7B causing Wilson Disease (0.0054), allowing no clear conclusion about variant significance. To our knowledge, no occurrence of c.352G>A in individuals affected with Wilson Disease and no experimental evidence demonstrating its impact on protein function have been reported. ClinVar contains an entry for this variant (Variation ID: 439427). Based on the evidence outlined above, the variant was classified as uncertain significance.

All of Us Research Program, National Institutes of Health
Classification: Uncertain significance for Wilson disease. Last evaluated: 2024-09-23. Review status: criteria provided, single submitter. Criteria: ACMG Guidelines, 2015. Collection method: clinical testing. Allele origin: germline. Inheritance: Autosomal recessive inheritance. Observed: 48 variant alleles, 48 heterozygotes.
Comment: This missense variant replaces aspartic acid with asparagine at codon 118 of the ATP7B protein. Computational prediction is inconclusive regarding the impact of this variant on protein structure and function (internally defined REVEL score threshold 0.5 < inconclusive < 0.7, PMID: 27666373). To our knowledge, functional studies have not been reported for this variant. This variant has not been reported in individuals affected with Wilson disease in the literature. This variant has been identified in 79/280864 chromosomes in the general population by the Genome Aggregation Database (gnomAD). The available evidence is insufficient to determine the role of this variant in disease conclusively. Therefore, this variant is classified as a Variant of Uncertain Significance.

This study involves interpretation of variants in research participants for the purpose of population health screening. Participant phenotype was not available at the time of variant classification. Additional details can be found in publication PMID: 35346344, PMCID: PMC8962531

Genome-Nilou Lab
Classification: Likely benign for Wilson disease. Last evaluated: 2021-08-10. Review status: criteria provided, single submitter. Criteria: ACMG Guidelines, 2015. Collection method: clinical testing. Allele origin: germline. Affected: no.

ARUP Laboratories, Molecular Genetics and Genomics, ARUP Laboratories
Classification: Uncertain significance. Last evaluated: 2016-12-02. Review status: criteria provided, single submitter. Criteria: ARUP Molecular Germline Variant Investigation Process. Collection method: clinical testing. Allele origin: germline.

NM_000053.4(ATP7B):c.352G>A (p.Asp118Asn)

Gene: ATP7B (ATPase copper transporting beta; minus strand). Cytogenetic location: 13q14.3.
Variant type: single nucleotide variant.
Coding change: c.352G>A on transcript NM_000053.4 (MANE Select); coding-DNA position 352, G replaced by A.
Protein change: p.Asp118Asn; replaces aspartic acid 118 with asparagine.
Molecular consequence: missense variant.
Genome position (GRCh38, 1-based): chr13:51,974,868, C>T on the plus strand (G>A on the coding strand, the complement: ATP7B is on the minus strand). VCF-style: chr13-51974868-C-T. GRCh37 (hg19) VCF-style: chr13-52549004-C-T.
Other names: c.352G>A, p.Asp118Asn (NM_001005918.3, NM_001243182.2, NM_001330578.2 and 1 more transcripts); short protein forms D118N.
Identifiers: ClinVar variation 439427 (VCV000439427.28), dbSNP rs769655497, ClinGen allele CA6989579.